The following is an entry in ClinVar:

ClinVar aggregate classification (germline): Uncertain significance (1 of 4 stars; one submission).

Submission:

Labcorp Genetics (formerly Invitae), Labcorp
Classification: Uncertain significance. Last evaluated: 2024-10-29. Review status: criteria provided, single submitter. Criteria: Invitae Variant Classification Sherloc (09022015). Collection method: clinical testing. Allele origin: germline.
Comment: This sequence change replaces arginine, which is basic and polar, with glycine, which is neutral and non-polar, at codon 495 of the FCHO1 protein (p.Arg495Gly). This variant is not present in population databases (gnomAD no frequency). This variant has not been reported in the literature in individuals affected with FCHO1-related conditions. ClinVar contains an entry for this variant (Variation ID: 1393908). An algorithm developed to predict the effect of missense changes on protein structure and function (PolyPhen-2) suggests that this variant¬†is likely to be tolerated. In summary, the available evidence is currently insufficient to determine the role of this variant in disease. Therefore, it has been classified as a Variant of Uncertain Significance.

NM_015122.3(FCHO1):c.1483C>G (p.Arg495Gly)

Gene: FCHO1 (FCH and mu domain containing endocytic adaptor 1; plus strand). Cytogenetic location: 19p13.11.
Variant type: single nucleotide variant.
Coding change: c.1483C>G on transcript NM_015122.3 (MANE Select); coding-DNA position 1483, C replaced by G.
Protein change: p.Arg495Gly; replaces arginine 495 with glycine.
Molecular consequence: missense variant. On other transcripts: non-coding transcript variant (14), intron variant (11).
Genome position (GRCh38, 1-based): chr19:17,778,740, C>G. VCF-style: chr19-17778740-C-G. GRCh37 (hg19) VCF-style: chr19-17889549-C-G.
Other names: c.1483C>G, p.Arg495Gly (NM_001161357.2, NM_001161358.2, NM_001384370.1 and 13 more transcripts); c.1333C>G, p.Arg445Gly (NM_001161359.2, NM_001384384.1, NM_001384385.1 and 1 more transcripts); c.1444C>G, p.Arg482Gly (NM_001384388.1, NM_001384389.1, NM_001384405.1); c.1408C>G, p.Arg470Gly (NM_001384390.1); c.1366C>G, p.Arg456Gly (NM_001384392.1, NM_001384393.1, NM_001384394.1 and 1 more transcripts); c.1351+512C>G (NM_001384396.1, NM_001384404.1, NM_001384398.1 and 5 more transcripts); c.1201+512C>G (NM_001384406.1); c.1057+2469C>G (NM_001384407.1); and 1 more; short protein forms R482G, R495G, R445G, R456G, R470G.
Identifiers: ClinVar variation 1393908 (VCV001393908.5), dbSNP rs200218825, ClinGen allele CA404753606.